The following is an entry in ClinVar:

NM_015261.3(NCAPD3):c.4221C>A (p.His1407Gln)

Gene: NCAPD3 (non-SMC condensin II complex subunit D3; minus strand). Cytogenetic location: 11q25.
Variant type: single nucleotide variant.
Coding change: c.4221C>A on transcript NM_015261.3 (MANE Select); coding-DNA position 4221, C replaced by A.
Protein change: p.His1407Gln; replaces histidine 1407 with glutamine.
Molecular consequence: missense variant.
Genome position (GRCh38, 1-based): chr11:134,157,049, G>T on the plus strand (C>A on the coding strand, the complement: NCAPD3 is on the minus strand). VCF-style: chr11-134157049-G-T. GRCh37 (hg19) VCF-style: chr11-134026944-G-T.
Other names: c.3807C>A, p.His1269Gln (NM_001372069.1, NM_001372070.1); c.4221C>A, p.His1407Gln (NM_001372065.1, NM_001372068.1); short protein forms H1407Q, H1269Q.
Identifiers: ClinVar variation 777871 (VCV000777871.29), dbSNP rs35943668, ClinGen allele CA6370512.

ClinVar aggregate classification (germline): Benign. Review status: criteria provided, multiple submitters, no conflicts (2 of 4 stars). 4 submissions from 4 submitters: Benign (3). 1 of the submissions does not count toward it. Last evaluated 2026-09-01.

Conditions:
NCAPD3-related disorder. Also called: NCAPD3-related condition.

Allele frequency attached by ClinVar (database versions not stated): 1000 Genomes Project 0.00359; 1000 Genomes Project 30x 0.00359; ESP Exome Variant Server 0.00854; TOPMed 0.00875.
gnomAD v4.1: 20,321 of 1,613,574 alleles (1.3%); highest among the groups gnomAD compares: Non-Finnish European, 1.5%; 132 homozygotes.

Submissions (4):

CeGaT Center for Human Genetics Tuebingen
Classification: Benign. Last evaluated: 2026-09-01. Review status: criteria provided, single submitter. Criteria: CeGaT Center For Human Genetics Tuebingen Variant Classification Criteria Version 2. Collection method: clinical testing. Allele origin: germline. Affected: yes. Observed: 13 variant alleles.
Comment: NCAPD3: BP4, BS1, BS2

Labcorp Genetics (formerly Invitae), Labcorp
Classification: Benign. Last evaluated: 2019-12-31. Review status: criteria provided, single submitter. Criteria: Invitae Variant Classification Sherloc (09022015). Collection method: clinical testing. Allele origin: germline.

Breakthrough Genomics
Classification: Benign. Review status: criteria provided, single submitter. Criteria: ACMG Guidelines, 2015. Collection method: not provided. Allele origin: germline. Inheritance: Autosomal recessive inheritance. Affected: yes.

PreventionGenetics, part of Exact Sciences
Classification: Benign for NCAPD3-related condition. Last evaluated: 2019-03-06. Review status: no assertion criteria provided. Collection method: clinical testing. Allele origin: germline. Not counted in ClinVar's aggregate classification.
Comment: This variant is classified as benign based on ACMG/AMP sequence variant interpretation guidelines (Richards et al. 2015 PMID: 25741868, with internal and published modifications).